The following is an entry in ClinVar:

NM_178014.4(TUBB):c.845G>A (p.Arg282Gln)

Gene: TUBB (tubulin beta class I; plus strand). Cytogenetic location: 6p21.33.
Variant type: single nucleotide variant.
Coding change: c.845G>A on transcript NM_178014.4 (MANE Select); coding-DNA position 845, G replaced by A.
Protein change: p.Arg282Gln; replaces arginine 282 with glutamine.
Molecular consequence: missense variant. On other transcripts: intron variant (1).
Genome position (GRCh38, 1-based): chr6:30,723,907, G>A. VCF-style: chr6-30723907-G-A. GRCh37 (hg19) VCF-style: chr6-30691684-G-A.
Other names: c.905G>A, p.Arg302Gln (NM_001293212.2); c.713G>A, p.Arg238Gln (NM_001293214.2); c.629G>A, p.Arg210Gln (NM_001293215.2, NM_001293216.2); c.370-131G>A (NM_001293213.2); short protein forms R282Q, R210Q, R238Q, R302Q.
Identifiers: ClinVar variation 498257 (VCV000498257.6), dbSNP rs1554202407, ClinGen allele CA363148830.

ClinVar aggregate classification (germline): Conflicting classifications of pathogenicity. Review status: criteria provided, conflicting classifications (1 of 4 stars). 2 submissions from 2 submitters: Likely pathogenic (1); Uncertain significance (1). Last evaluated 2016-10-31.

Conditions:
Complex cortical dysplasia with other brain malformations 6. Identifiers: MedGen C4014283, MONDO:0014341, OMIM 615771.
Skin creases, congenital symmetric circumferential, 1. Also called: SKIN CREASES, MULTIPLE BENIGN RING-SHAPED, OF LIMBS; CIRCUMFERENTIAL SKIN CREASES, KUNZE TYPE; MICHELIN TIRE BABY SYNDROME; Multiple benign circumferential skin creases on limbs 1. Identifiers: MedGen C4551592, MONDO:0020738, OMIM 156610.

Submissions (2):

Eurofins Ntd Llc (ga)
Classification: Uncertain significance. Last evaluated: 2016-10-31. Review status: criteria provided, single submitter. Criteria: EGL Classification Definitions 2015. Collection method: clinical testing. Allele origin: germline. Observed: 1 variant allele, 1 heterozygote.

Juno Genomics, Hangzhou Juno Genomics, Inc
Classification: Likely pathogenic for Skin creases, congenital symmetric circumferential, 1; Complex cortical dysplasia with other brain malformations 6. Review status: criteria provided, single submitter. Criteria: ACMG Guidelines, 2015. Collection method: clinical testing. Allele origin: germline. Affected: yes.
Comment: Absent from controls (or at extremely low frequency if recessive) in Genome Aggregation Database.;De novo (both maternity and paternity confirmed) in a patient with the disease and no family history.;Patient's phenotype or family history is highly specific for a disease with a single genetic etiology.;Missense variant in a gene that has a low rate of benign missense variation.